The following is an entry in ClinVar:

ClinVar aggregate classification (germline): Uncertain significance (1 of 4 stars; one submission).

Conditions:
Coffin-Siris syndrome 12. Identifiers: MedGen C5444111, MONDO:0025699, OMIM 619325.

Submission:

Juno Genomics, Hangzhou Juno Genomics, Inc
Classification: Uncertain significance for Coffin-Siris syndrome 12. Review status: criteria provided, single submitter. Criteria: ACMG Guidelines, 2015. Collection method: clinical testing. Allele origin: germline. Affected: yes.
Comment: Absent from controls (or at extremely low frequency if recessive) in Genome Aggregation Database, Exome Sequencing Project, 1000 Genomes Project, or Exome Aggregation Consortium.;Assumed de novo, but without confirmation of paternity and maternity.;Patient's phenotype or family history is highly specific for a disease with a single genetic etiology.;Null variant in a gene where loss of function (LOF) is a known mechanism of disease.

NM_001394372.1(BICRA):c.1642C>T (p.Gln548Ter)

Gene: BICRA (BRD4 interacting chromatin remodeling complex associated protein; plus strand). Cytogenetic location: 19q13.33.
Variant type: single nucleotide variant.
Coding change: c.1642C>T on transcript NM_001394372.1 (MANE Select); coding-DNA position 1642, C replaced by T.
Protein change: p.Gln548Ter; replaces glutamine 548 with a stop codon.
Molecular consequence: nonsense.
Genome position (GRCh38, 1-based): chr19:47,680,812, C>T. VCF-style: chr19-47680812-C-T. GRCh37 (hg19) VCF-style: chr19-48184069-C-T.
Other names: c.1642C>T, p.Gln548Ter (NM_015711.3); short protein forms Q548*.
Identifiers: ClinVar variation 3382410 (VCV003382410.2).
Genomic context (GRCh38, chr19:47,680,812, plus strand): 5'-CCCGTGTTGGCCCCCCACTCCGGGGCCCACAGCGCGCACATCCTCTCCGCCGCTCCCATC[C>T]AGGTGGGCCAGCCTGCGCTCTTCCAGATGCCCGTGTCGCTGGCGGCGGGCAGCCTGCCCA-3'